The following is an entry in ClinVar:

NM_001048174.2(MUTYH):c.743G>A (p.Gly248Glu)

Gene: MUTYH (mutY DNA glycosylase; minus strand). Cytogenetic location: 1p34.1.
Variant type: single nucleotide variant.
Coding change: c.743G>A on transcript NM_001048174.2 (MANE Select); coding-DNA position 743, G replaced by A.
Protein change: p.Gly248Glu; replaces glycine 248 with glutamic acid.
Molecular consequence: missense variant. On other transcripts: non-coding transcript variant (2).
Genome position (GRCh38, 1-based): chr1:45,332,272, C>T on the plus strand (G>A on the coding strand, the complement: MUTYH is on the minus strand). VCF-style: chr1-45332272-C-T. GRCh37 (hg19) VCF-style: chr1-45797944-C-T.
Other names: c.743G>A, p.Gly248Glu (NM_001048171.2, NM_001048173.2, NM_001293195.2); c.746G>A, p.Gly249Glu (NM_001048172.2); c.827G>A, p.Gly276Glu (NM_001128425.2); c.788G>A, p.Gly263Glu (NM_001293190.2); c.776G>A, p.Gly259Glu (NM_001293191.2); c.467G>A, p.Gly156Glu (NM_001293192.2, NM_001293196.2); c.398G>A, p.Gly133Glu (NM_001350650.2, NM_001350651.2); c.818G>A, p.Gly273Glu (NM_012222.3); short protein forms G276E, G273E, G259E, G263E, G248E, G249E, G133E, G156E.
Identifiers: ClinVar variation 584585 (VCV000584585.6), dbSNP rs1557471507, ClinGen allele CA340134657.
Genomic context (GRCh38, chr1:45,332,272, plus strand): 5'-AGTGGGCGCTGTGGGGTACACACTGTGGCCCCTAGCTCCATGGCTGCTTGGTTGAAATCT[C>T]CTGGCCGGGCTGGGTCCACCAGCTGCTGGGCTAGACCCCTAAAAGAAGGGAACACTGCTG-3'
Protein context (NP_001041639.1, residues 238-258): AQQLVDPARP[Gly248Glu]DFNQAAMELG

ClinVar aggregate classification (germline): Uncertain significance. Review status: criteria provided, multiple submitters, no conflicts (2 of 4 stars). 2 submissions from 2 submitters: Uncertain significance (2). Last evaluated 2022-02-05.

Conditions:
Familial adenomatous polyposis 2. Also called: MYH-associated polyposis; FAP type 2; COLORECTAL ADENOMATOUS POLYPOSIS, AUTOSOMAL RECESSIVE; ADENOMAS, MULTIPLE COLORECTAL, AUTOSOMAL RECESSIVE; MUTYH-related attenuated familial adenomatous polyposis; MUTYH Polyposis. Identifiers: Orphanet 220460, Orphanet 247798, MedGen C3272841, MONDO:0012041, OMIM 608456.

Submissions (2):

Labcorp Genetics (formerly Invitae), Labcorp
Classification: Uncertain significance for Familial adenomatous polyposis 2. Last evaluated: 2022-02-05. Review status: criteria provided, single submitter. Criteria: Invitae Variant Classification Sherloc (09022015). Collection method: clinical testing. Allele origin: germline.
Comment: In summary, the available evidence is currently insufficient to determine the role of this variant in disease. Therefore, it has been classified as a Variant of Uncertain Significance. Algorithms developed to predict the effect of missense changes on protein structure and function (SIFT, PolyPhen-2, Align-GVGD) all suggest that this variant is likely to be disruptive. ClinVar contains an entry for this variant (Variation ID: 584585). This variant has not been reported in the literature in individuals affected with MUTYH-related conditions. This variant is not present in population databases (gnomAD no frequency). This sequence change replaces glycine, which is neutral and non-polar, with glutamic acid, which is acidic and polar, at codon 276 of the MUTYH protein (p.Gly276Glu).

Mendelics
Classification: Uncertain significance for MYH-associated polyposis. Last evaluated: 2018-07-02. Review status: criteria provided, single submitter. Criteria: Mendelics Assertion Criteria 2017. Collection method: clinical testing. Allele origin: unknown.